The following is an entry in ClinVar:

NM_004006.3(DMD):c.5758C>T (p.Gln1920Ter)

Gene: DMD (dystrophin; minus strand). Cytogenetic location: Xp21.1.
Variant type: single nucleotide variant.
Coding change: c.5758C>T on transcript NM_004006.3 (MANE Select); coding-DNA position 5758, C replaced by T.
Protein change: p.Gln1920Ter; replaces glutamine 1920 with a stop codon.
Molecular consequence: nonsense.
Genome position (GRCh38, 1-based): chrX:32,342,264, G>A on the plus strand (C>T on the coding strand, the complement: DMD is on the minus strand). VCF-style: chrX-32342264-G-A. GRCh37 (hg19) VCF-style: chrX-32360381-G-A.
Other names: c.5734C>T, p.Gln1912Ter (NM_000109.4); c.5746C>T, p.Gln1916Ter (NM_004009.3); c.5389C>T, p.Gln1797Ter (NM_004010.3); c.1735C>T, p.Gln579Ter (NM_004011.4); c.1726C>T, p.Gln576Ter (NM_004012.4); short protein forms Q1920*, Q1797*, Q1912*, Q576*, Q579*, Q1916*.
Identifiers: ClinVar variation 379872 (VCV000379872.19), dbSNP rs1057520764, ClinGen allele CA16608442.

ClinVar aggregate classification (germline): Pathogenic. Review status: criteria provided, multiple submitters, no conflicts (2 of 4 stars). 5 submissions from 5 submitters: Pathogenic (5). Last evaluated 2025-09-24.

Conditions:
Cardiovascular phenotype. Identifiers: MedGen CN230736.
Duchenne muscular dystrophy (DMD). Also called: MUSCULAR DYSTROPHY, PSEUDOHYPERTROPHIC PROGRESSIVE, DUCHENNE TYPE; Duchenne Muscular Dystrophy (DMD). Identifiers: Orphanet 98896, MedGen C0013264, MONDO:0010679, OMIM 310200.

Submissions (5):

Genesolutions, Medical Genetics Institutes, Ho Chi Minh City, Vietnam
Classification: Pathogenic for Duchenne muscular dystrophy. Last evaluated: 2025-09-24. Review status: criteria provided, single submitter. Criteria: ACMG Guidelines, 2015. Collection method: clinical testing. Allele origin: germline. Affected: yes.

GeneDx
Classification: Pathogenic. Last evaluated: 2023-12-05. Review status: criteria provided, single submitter. Criteria: GeneDx Variant Classification Process June 2021. Collection method: clinical testing. Allele origin: germline. Affected: yes.
Comment: Nonsense variant predicted to result in protein truncation or nonsense mediated decay in a gene for which loss of function is a known mechanism of disease; Not observed at significant frequency in large population cohorts (gnomAD); Based on the understanding of this genetic alteration, it may be amenable to nonsense read-through therapy that is currently available or in clinical trial; This variant is associated with the following publications: (PMID: 31919629, 28859693, 19937601)

Labcorp Genetics (formerly Invitae), Labcorp
Classification: Pathogenic for Duchenne muscular dystrophy. Last evaluated: 2022-09-23. Review status: criteria provided, single submitter. Criteria: Invitae Variant Classification Sherloc (09022015). Collection method: clinical testing. Allele origin: germline.
Comment: This sequence change creates a premature translational stop signal (p.Gln1920*) in the DMD gene. It is expected to result in an absent or disrupted protein product. Loss-of-function variants in DMD are known to be pathogenic (PMID: 16770791, 25007885). This variant is not present in population databases (gnomAD no frequency). This premature translational stop signal has been observed in individuals with Duchenne muscular dystrophy (PMID: 19937601, 31919629). ClinVar contains an entry for this variant (Variation ID: 379872). For these reasons, this variant has been classified as Pathogenic.

ARUP Laboratories, Molecular Genetics and Genomics, ARUP Laboratories
Classification: Pathogenic. Last evaluated: 2020-07-30. Review status: criteria provided, single submitter. Criteria: ARUP Molecular Germline Variant Investigation Process. Collection method: clinical testing. Allele origin: germline.
Comment: The DMD c.5758C>T; p.Gln1920Ter variant (rs1057520764) is reported in the literature in several individuals affected with Duchenne muscular dystrophy (Flanigan 2009, Okuba 2017). This variant is absent from general population databases (Exome Variant Server, Genome Aggregation Database), indicating it is not a common polymorphism. This variant induces an early termination codon and is predicted to result in a truncated protein or mRNA subject to nonsense-mediated decay. Based on available information, this variant is considered to be pathogenic. References: Flanigan KM et al. Mutational spectrum of DMD mutations in dystrophinopathy patients: application of modern diagnostic techniques to a large cohort. Hum Mutat. 2009;30(12):1657-1666. Okubo M et al. Comprehensive analysis for genetic diagnosis of Dystrophinopathies in Japan. Orphanet J Rare Dis. 2017;12(1):149.

Ambry Genetics
Classification: Pathogenic for Cardiovascular phenotype. Last evaluated: 2017-04-17. Review status: criteria provided, single submitter. Criteria: Ambry Variant Classification Scheme 2023. Collection method: clinical testing. Allele origin: germline.
Comment: The p.Q1920* pathogenic mutation (also known as c.5758C>T), located in coding exon 41 of the DMD gene, results from a C to T substitution at nucleotide position 5758. This changes the amino acid from a glutamine to a stop codon within coding exon 41. This alteration has been detected in two affected males and a carrier female from a Duchenne Muscular Dystrophy cohort (Flanigan KM et al. Hum Mutat. 2009;30:1657-66). In addition to the clinical data presented in the literature, this alteration is expected to result in loss of function by premature protein truncation or nonsense-mediated mRNA decay. As such, this alteration is interpreted as a disease-causing mutation.

Literature cited by the submitters: PubMed 16770791 (cited by Labcorp Genetics (formerly Invitae), Labcorp); PubMed 25007885 (cited by Labcorp Genetics (formerly Invitae), Labcorp); PubMed 19937601 (cited by Labcorp Genetics (formerly Invitae), Labcorp and Ambry Genetics); PubMed 31919629 (cited by Labcorp Genetics (formerly Invitae), Labcorp).